The following is an entry in ClinVar:

NM_024301.5(FKRP):c.934C>G (p.Arg312Gly)

Gene: FKRP (fukutin related protein; plus strand). Cytogenetic location: 19q13.32.
Variant type: single nucleotide variant.
Coding change: c.934C>G on transcript NM_024301.5 (MANE Select); coding-DNA position 934, C replaced by G.
Protein change: p.Arg312Gly; replaces arginine 312 with glycine.
Molecular consequence: missense variant.
Genome position (GRCh38, 1-based): chr19:46,756,384, C>G. VCF-style: chr19-46756384-C-G. GRCh37 (hg19) VCF-style: chr19-47259641-C-G.
Other names: c.934C>G, p.Arg312Gly (NM_001039885.3); c.934C>G (NM_024301.4); short protein forms R312G.
Identifiers: ClinVar variation 1910167 (VCV001910167.10), dbSNP rs2054923228, ClinGen allele CA406496314.

ClinVar aggregate classification (germline): Conflicting classifications of pathogenicity. Review status: criteria provided, conflicting classifications (1 of 4 stars). 4 submissions from 4 submitters: Likely pathogenic (1); Uncertain significance (3). Last evaluated 2025-08-19.

Conditions:
Cardiovascular phenotype. Identifiers: MedGen CN230736.
Walker-Warburg congenital muscular dystrophy. Also called: Muscular dystrophy-dystroglycanopathy, type A; Walker-Warburg syndrome. Identifiers: Orphanet 899, MedGen C0265221, MONDO:0000171.
Muscular dystrophy-dystroglycanopathy (congenital with brain and eye anomalies), type A5. Also called: MUSCULAR DYSTROPHY-DYSTROGLYCANOPATHY (CONGENITAL WITH BRAIN AND EYE ANOMALIES), TYPE A, 5; WALKER-WARBURG SYNDROME OR MUSCLE-EYE-BRAIN DISEASE, FKRP-RELATED. Identifiers: Orphanet 588, Orphanet 899, MedGen C3150413, MONDO:0013157, OMIM 613153.
Muscular dystrophy-dystroglycanopathy type B5 (MDDGB5). Also called: MUSCULAR DYSTROPHY-DYSTROGLYCANOPATHY (CONGENITAL WITH OR WITHOUT IMPAIRED INTELLECTUAL DEVELOPMENT), TYPE B, 5; MUSCULAR DYSTROPHY, CONGENITAL, 1C; MUSCULAR DYSTROPHY, CONGENITAL, FKRP-RELATED. Identifiers: MedGen C1847759, MONDO:0011688, OMIM 606612.
Autosomal recessive limb-girdle muscular dystrophy type 2I. Also called: MUSCULAR DYSTROPHY-DYSTROGLYCANOPATHY (LIMB-GIRDLE), TYPE C, 5; MUSCULAR DYSTROPHY-DYSTROGLYCANOPATHY, LIMB-GIRDLE, FRKP-RELATED; MUSCULAR DYSTROPHY, LIMB-GIRDLE, TYPE 2I. Identifiers: Orphanet 34515, MedGen C1846672, MONDO:0011787, OMIM 607155.

Submissions (4):

Ambry Genetics
Classification: Uncertain significance for Cardiovascular phenotype. Last evaluated: 2025-08-19. Review status: criteria provided, single submitter. Criteria: Ambry Variant Classification Scheme 2023. Collection method: clinical testing. Allele origin: germline.
Comment: The p.R312G variant (also known as c.934C>G), located in coding exon 1 of the FKRP gene, results from a C to G substitution at nucleotide position 934. The arginine at codon 312 is replaced by glycine, an amino acid with dissimilar properties. This variant has been identified in the homozygous state and/or in conjunction with other FKRP variant(s) in individual(s) with features consistent with limb girdle muscular dystrophy (Z&iacute;dkov&aacute; J et al. Clin Genet, 2023 Nov;104:542-553). This amino acid position is highly conserved in available vertebrate species. In addition, this alteration is predicted to be deleterious by in silico analysis. Based on the available evidence, the clinical significance of this variant remains unclear.

Women's Health and Genetics/Laboratory Corporation of America, LabCorp
Classification: Uncertain significance. Last evaluated: 2025-08-01. Review status: criteria provided, single submitter. Criteria: LabCorp Variant Classification Summary - May 2015. Collection method: clinical testing. Allele origin: germline.
Comment: Variant summary: FKRP c.934C>G (p.Arg312Gly) results in a non-conservative amino acid change in the encoded protein sequence. Algorithms developed to predict the effect of missense changes on protein structure and function all suggest that this variant is likely to be disruptive. The variant was absent in 160526 control chromosomes. The available data on variant occurrences in the general population are insufficient to allow any conclusion about variant significance. c.934C>G has been observed in individual(s) affected with Limb-Girdle Muscular Dystrophy, Autosomal Recessive (Zidkova_2023). These report(s) do not provide unequivocal conclusions about association of the variant with Limb-Girdle Muscular Dystrophy, Autosomal Recessive. To our knowledge, no experimental evidence demonstrating an impact on protein function has been reported. The following publication have been ascertained in the context of this evaluation (PMID: 37526466). ClinVar contains an entry for this variant (Variation ID: 1910167). Based on the evidence outlined above, the variant was classified as uncertain significance.

Labcorp Genetics (formerly Invitae), Labcorp
Classification: Likely pathogenic for Walker-Warburg congenital muscular dystrophy. Last evaluated: 2024-12-02. Review status: criteria provided, single submitter. Criteria: Invitae Variant Classification Sherloc (09022015). Collection method: clinical testing. Allele origin: germline.
Comment: This sequence change replaces arginine, which is basic and polar, with glycine, which is neutral and non-polar, at codon 312 of the FKRP protein (p.Arg312Gly). This variant is not present in population databases (gnomAD no frequency). This missense change has been observed in individual(s) with limb girdle muscular dystrophy (PMID: 37526466). ClinVar contains an entry for this variant (Variation ID: 1910167). Invitae Evidence Modeling of protein sequence and biophysical properties (such as structural, functional, and spatial information, amino acid conservation, physicochemical variation, residue mobility, and thermodynamic stability) indicates that this missense variant is expected to disrupt FKRP protein function with a positive predictive value of 95%. This variant disrupts the p.Arg312 amino acid residue in FKRP. Other variant(s) that disrupt this residue have been determined to be pathogenic (PMID: 11741828; internal data). This suggests that this residue is clinically significant, and that variants that disrupt this residue are likely to be disease-causing. In summary, the currently available evidence indicates that the variant is pathogenic, but additional data are needed to prove that conclusively. Therefore, this variant has been classified as Likely Pathogenic.

Center for Genomics, Ann and Robert H. Lurie Children's Hospital of Chicago
Classification: Uncertain significance for Muscular dystrophy-dystroglycanopathy type B5; Autosomal recessive limb-girdle muscular dystrophy type 2I; Muscular dystrophy-dystroglycanopathy (congenital with brain and eye anomalies), type A5. Review status: criteria provided, single submitter. Criteria: ACMG Guidelines, 2015. Collection method: clinical testing. Allele origin: germline.
Comment: FKRP NM_024301.4 exon 4 p.Arg312Gly (c.934C>G): This variant has not been reported in the literature and is not present in large control databases. Evolutionary conservation and computational predictive tools suggest that this variant may impact the protein. In summary, data on this variant is insufficient for disease classification. Therefore, the clinical significance of this variant is uncertain.

Literature cited by the submitters: PubMed 37526466 (cited by 3 submitters); PubMed 11741828 (cited by Labcorp Genetics (formerly Invitae), Labcorp).